The following is an entry in ClinVar:

NM_003242.6(TGFBR2):c.797A>G (p.Asn266Ser)

Gene: TGFBR2 (transforming growth factor beta receptor 2; plus strand). Cytogenetic location: 3p24.1.
Variant type: single nucleotide variant.
Coding change: c.797A>G on transcript NM_003242.6 (MANE Select); coding-DNA position 797, A replaced by G.
Protein change: p.Asn266Ser; replaces asparagine 266 with serine.
Molecular consequence: missense variant.
Genome position (GRCh38, 1-based): chr3:30,671,980, A>G. VCF-style: chr3-30671980-A-G. GRCh37 (hg19) VCF-style: chr3-30713472-A-G.
Other names: c.872A>G, p.Asn291Ser (NM_001024847.3); c.980A>G, p.Asn327Ser (NM_001407126.1); c.905A>G, p.Asn302Ser (NM_001407127.1); c.824A>G, p.Asn275Ser (NM_001407128.1); c.800A>G, p.Asn267Ser (NM_001407129.1); c.797A>G, p.Asn266Ser (NM_001407130.1); c.692A>G, p.Asn231Ser (NM_001407132.1, NM_001407133.1, NM_001407134.1 and 2 more transcripts); c.512A>G, p.Asn171Ser (NM_001407137.1); and 1 more; short protein forms N266S, N291S, N171S, N267S, N302S, N146S, N231S, N275S.
Identifiers: ClinVar variation 1363915 (VCV001363915.11), dbSNP rs753184709, ClinGen allele CA049908.
Genomic context (GRCh38, chr3:30,671,980, plus strand): 5'-TGGACACCCTGGTGGGGAAAGGTCGCTTTGCTGAGGTCTATAAGGCCAAGCTGAAGCAGA[A>G]CACTTCAGAGCAGTTTGAGACAGTGGCAGTCAAGATCTTTCCCTATGAGGAGTATGCCTC-3'
Protein context (NP_003233.4, residues 256-276): AEVYKAKLKQ[Asn266Ser]TSEQFETVAV

ClinVar aggregate classification (germline): Conflicting classifications of pathogenicity. Review status: criteria provided, conflicting classifications (1 of 4 stars). 3 submissions from 3 submitters: Uncertain significance (2); Likely benign (1). Last evaluated 2025-10-07.

Conditions:
Familial thoracic aortic aneurysm and aortic dissection (TAAD). Also called: Thoracic aortic aneurysms and dissections. Identifiers: Orphanet 91387, MedGen C4707243, MONDO:0019625.
Loeys-Dietz syndrome 2 (LDS2). Also called: MARFAN SYNDROME, TYPE II; TGFBR2-Related Loeys-Dietz Syndrome; Marfan Syndrome type 2; Marfan like connective tissue disorder; MFS 2; AORTIC ANEURYSM, FAMILIAL THORACIC 3. Identifiers: Orphanet 284973, Orphanet 558, MedGen C2674574, MONDO:0012427, OMIM 610168.
Malignant tumor of esophagus. Also called: Esophageal cancer, somatic; Esophageal cancer. Identifiers: Orphanet 99977, MedGen C0546837, MONDO:0007576, OMIM 133239.
Colorectal cancer, hereditary nonpolyposis, type 6. Also called: Colon cancer, hereditary nonpolyposis, type 6; Colon cancer, hereditary nonpolyposis, type 6, somatic. Identifiers: Orphanet 144, MedGen C1860896, MONDO:0013695, OMIM 614331.

Allele frequency attached by ClinVar (database versions not stated): gnomAD exomes below 0.00001; ExAC 0.00001; TOPMed 0.00002.

Submissions (3):

Color Diagnostics, LLC DBA Color Health
Classification: Likely benign for Familial thoracic aortic aneurysm and aortic dissection. Last evaluated: 2025-10-07. Review status: criteria provided, single submitter. Criteria: ACMG Guidelines, 2015. Collection method: clinical testing. Allele origin: germline.

Labcorp Genetics (formerly Invitae), Labcorp
Classification: Uncertain significance for Familial thoracic aortic aneurysm and aortic dissection. Last evaluated: 2024-05-29. Review status: criteria provided, single submitter. Criteria: Invitae Variant Classification Sherloc (09022015). Collection method: clinical testing. Allele origin: germline.
Comment: This sequence change replaces asparagine, which is neutral and polar, with serine, which is neutral and polar, at codon 266 of the TGFBR2 protein (p.Asn266Ser). This variant is present in population databases (rs753184709, gnomAD 0.003%). This missense change has been observed in individual(s) with clinical features of TGFBR2-related conditions (PMID: 27879313). ClinVar contains an entry for this variant (Variation ID: 1363915). Advanced modeling of protein sequence and biophysical properties (such as structural, functional, and spatial information, amino acid conservation, physicochemical variation, residue mobility, and thermodynamic stability) performed at Invitae indicates that this missense variant is not expected to disrupt TGFBR2 protein function with a negative predictive value of 95%. In summary, the available evidence is currently insufficient to determine the role of this variant in disease. Therefore, it has been classified as a Variant of Uncertain Significance.

Fulgent Genetics
Classification: Uncertain significance for Malignant tumor of esophagus; Loeys-Dietz syndrome 2; Colorectal cancer, hereditary nonpolyposis, type 6. Last evaluated: 2021-08-12. Review status: criteria provided, single submitter. Criteria: ACMG Guidelines, 2015. Collection method: clinical testing. Allele origin: unknown.

Literature cited by the submitters: PubMed 27879313 (cited by Labcorp Genetics (formerly Invitae), Labcorp).